The following is an entry in ClinVar:

ClinVar aggregate classification (germline): Uncertain significance (1 of 4 stars; one submission).

Conditions:
Epilepsy, familial focal, with variable foci 1 (FFEVF1). Also called: DEPDC5-Related Epilepsy. Identifiers: MedGen C4551983, MONDO:0024556, OMIM 604364.

Submission:

Clinical Genomics Laboratory, Washington University in St. Louis
Classification: Uncertain significance for Epilepsy, familial focal, with variable foci 1. Last evaluated: 2025-08-28. Review status: criteria provided, single submitter. Criteria: ACMG Guidelines, 2015. Collection method: clinical testing. Allele origin: germline.
Comment: The DEPDC5 c.2234A>G (p.Lys745Arg) variant, to our knowledge, has not been reported in the medical literature. This variant is absent from the general population (gnomAD v2.1.1), indicating it is not a common variant. Computational predictors are uncertain as to the impact of this variant on DEPDC5 function. Due to limited information, and based on ACMG/AMP guidelines for variant interpretation (Richards S et al., PMID: 25741868), the clinical significance of this variant is uncertain at this time.

NM_001242896.3(DEPDC5):c.2234A>G (p.Lys745Arg)

Gene: DEPDC5 (DEP domain containing 5, GATOR1 subcomplex subunit; plus strand). Cytogenetic location: 22q12.3.
Variant type: single nucleotide variant.
Coding change: c.2234A>G on transcript NM_001242896.3 (MANE Select); coding-DNA position 2234, A replaced by G.
Protein change: p.Lys745Arg; replaces lysine 745 with arginine.
Molecular consequence: missense variant. On other transcripts: non-coding transcript variant (4).
Genome position (GRCh38, 1-based): chr22:31,837,035, A>G. VCF-style: chr22-31837035-A-G. GRCh37 (hg19) VCF-style: chr22-32233021-A-G.
Other names: c.2207A>G, p.Lys736Arg (NM_001136029.4, NM_001369903.1, NM_014662.6); c.2000A>G, p.Lys667Arg (NM_001242897.2, NM_001363854.2, NM_001364319.2); c.2234A>G, p.Lys745Arg (NM_001363852.2, NM_001364318.2, NM_001364320.2); c.2150A>G, p.Lys717Arg (NM_001369901.1, NM_001369902.1); short protein forms K667R, K717R, K736R, K745R.
Identifiers: ClinVar variation 4279912 (VCV004279912.1).